The following is an entry in ClinVar:

NM_052813.5(CARD9):c.1138G>A (p.Ala380Thr)

Gene: CARD9 (caspase recruitment domain family member 9; minus strand). Cytogenetic location: 9q34.3.
Variant type: single nucleotide variant.
Coding change: c.1138G>A on transcript NM_052813.5 (MANE Select); coding-DNA position 1138, G replaced by A.
Protein change: p.Ala380Thr; replaces alanine 380 with threonine.
Molecular consequence: missense variant.
Genome position (GRCh38, 1-based): chr9:136,367,768, C>T on the plus strand (G>A on the coding strand, the complement: CARD9 is on the minus strand). VCF-style: chr9-136367768-C-T. GRCh37 (hg19) VCF-style: chr9-139262220-C-T.
Other names: c.1138G>A, p.Ala380Thr (NM_052814.4); short protein forms A380T.
Identifiers: ClinVar variation 1427135 (VCV001427135.5), dbSNP rs139646302, ClinGen allele CA5332814.

ClinVar aggregate classification (germline): Uncertain significance (1 of 4 stars; one submission).

Conditions:
Predisposition to invasive fungal disease due to CARD9 deficiency (IMD103). Also called: Candidiasis, familial, 2, autosomal recessive; CARD9 IMMUNODEFICIENCY; IMMUNODEFICIENCY 103, SUSCEPTIBILITY TO FUNGAL INFECTIONS. Identifiers: Orphanet 457088, MedGen C1859353, MONDO:0008905, OMIM 212050.

Allele frequency attached by ClinVar (database versions not stated): gnomAD exomes 0.00001 and 0.00002; gnomAD 0.00002; TOPMed 0.00004; ExAC 0.00005; ESP Exome Variant Server 0.00008.
gnomAD v4.1: 12 of 1,604,718 alleles (0.00075%); highest among the groups gnomAD compares: African/African-American, 0.0067%; no homozygotes.

Submission:

Labcorp Genetics (formerly Invitae), Labcorp
Classification: Uncertain significance for Predisposition to invasive fungal disease due to CARD9 deficiency. Last evaluated: 2022-08-08. Review status: criteria provided, single submitter. Criteria: Invitae Variant Classification Sherloc (09022015). Collection method: clinical testing. Allele origin: germline.
Comment: This sequence change replaces alanine, which is neutral and non-polar, with threonine, which is neutral and polar, at codon 380 of the CARD9 protein (p.Ala380Thr). The frequency data for this variant in the population databases is considered unreliable, as metrics indicate poor data quality at this position in the gnomAD database. This variant has not been reported in the literature in individuals affected with CARD9-related conditions. ClinVar contains an entry for this variant (Variation ID: 1427135). Algorithms developed to predict the effect of missense changes on protein structure and function (SIFT, PolyPhen-2, Align-GVGD) all suggest that this variant is likely to be tolerated. In summary, the available evidence is currently insufficient to determine the role of this variant in disease. Therefore, it has been classified as a Variant of Uncertain Significance.